The following is an entry in ClinVar:

NM_007294.4(BRCA1):c.3787T>G (p.Leu1263Val)

Genes: BRCA1 (BRCA1 DNA repair associated; minus strand), LOC126862571 (BRD4-independent group 4 enhancer GRCh37_chr17:41243136-41244335; plus strand). Cytogenetic location: 17q21.31.
Variant type: single nucleotide variant.
Coding change: c.3787T>G on transcript NM_007294.4 (MANE Select); coding-DNA position 3787, T replaced by G.
Protein change: p.Leu1263Val; replaces leucine 1263 with valine.
Molecular consequence: missense variant. On other transcripts: intron variant (135).
Genome position (GRCh38, 1-based): chr17:43,091,744, A>C on the plus strand (T>G on the coding strand, the complement: BRCA1 is on the minus strand). VCF-style: chr17-43091744-A-C. GRCh37 (hg19) VCF-style: chr17-41243761-A-C.
Other names: c.3574T>G, p.Leu1192Val (NM_001407571.1, NM_001407853.1, NM_001407894.1 and 9 more transcripts); c.3787T>G, p.Leu1263Val (NM_001407581.1, NM_001407582.1, NM_001407583.1 and 30 more transcripts); c.3784T>G, p.Leu1262Val (NM_001407587.1, NM_001407590.1, NM_001407591.1 and 22 more transcripts); c.1183T>G, p.Leu395Val (NM_001407969.1, NM_001407968.1); c.3646T>G, p.Leu1216Val (NM_007297.4, NM_001407692.1, NM_001407694.1 and 29 more transcripts); c.647-712T>G (NM_001408458.1, NM_001408469.1, NM_001408453.1 and 11 more transcripts); c.284-712T>G (NM_001408512.1); c.407-712T>G (NM_001408510.1); and 41 more; short protein forms L1136V, L1174V, L1237V, L1135V, L1215V, L1221V, L1222V, L1236V.
Identifiers: ClinVar variation 2585828 (VCV002585828.5), dbSNP rs1057523961, ClinGen allele CA10594399.

ClinVar aggregate classification (germline): Uncertain significance. Review status: criteria provided, multiple submitters, no conflicts (2 of 4 stars). 2 submissions from 2 submitters: Uncertain significance (2). Last evaluated 2024-08-21.

Conditions:
Hereditary cancer-predisposing syndrome. Also called: Hereditary neoplastic syndrome; Tumor predisposition; Hereditary Cancer Syndrome; Neoplastic Syndromes, Hereditary. Identifiers: Orphanet 140162, MedGen C0027672, MeSH D009386, MONDO:0015356.
Hereditary breast ovarian cancer syndrome. Also called: BRCA1- and BRCA2-Associated Hereditary Breast and Ovarian Cancer; Hereditary breast and ovarian cancer; Hereditary breast and ovarian cancer syndrome (HBOC); Breast and ovarian cancer; Hereditary breast and ovarian cancer syndrome; Hereditary breast and/or ovarian cancer syndrome. Identifiers: Orphanet 145, MedGen C0677776, MeSH D061325, MONDO:0003582. Disease mechanism: loss of function.

Submissions (2):

Labcorp Genetics (formerly Invitae), Labcorp
Classification: Uncertain significance for Hereditary breast ovarian cancer syndrome. Last evaluated: 2024-08-21. Review status: criteria provided, single submitter. Criteria: Invitae Variant Classification Sherloc (09022015). Collection method: clinical testing. Allele origin: germline.
Comment: This sequence change replaces leucine, which is neutral and non-polar, with valine, which is neutral and non-polar, at codon 1263 of the BRCA1 protein (p.Leu1263Val). This variant is not present in population databases (gnomAD no frequency). This variant has not been reported in the literature in individuals affected with BRCA1-related conditions. ClinVar contains an entry for this variant (Variation ID: 2585828). Invitae Evidence Modeling of protein sequence and biophysical properties (such as structural, functional, and spatial information, amino acid conservation, physicochemical variation, residue mobility, and thermodynamic stability) indicates that this missense variant is not expected to disrupt BRCA1 protein function with a negative predictive value of 95%. In summary, the available evidence is currently insufficient to determine the role of this variant in disease. Therefore, it has been classified as a Variant of Uncertain Significance.

Ambry Genetics
Classification: Uncertain significance for Hereditary cancer-predisposing syndrome. Last evaluated: 2023-07-07. Review status: criteria provided, single submitter. Criteria: Ambry Variant Classification Scheme 2023. Collection method: clinical testing. Allele origin: germline.
Comment: The p.L1263V variant (also known as c.3787T>G), located in coding exon 9 of the BRCA1 gene, results from a T to G substitution at nucleotide position 3787. The leucine at codon 1263 is replaced by valine, an amino acid with highly similar properties. This amino acid position is conserved. In addition, the in silico prediction for this alteration is inconclusive. Since supporting evidence is limited at this time, the clinical significance of this alteration remains unclear.